The following is an entry in ClinVar:

NM_007294.4(BRCA1):c.302-2del

Gene: BRCA1 (BRCA1 DNA repair associated; minus strand). Cytogenetic location: 17q21.31.
Variant type: Deletion.
Coding change: c.302-2del on transcript NM_007294.4 (MANE Select); the canonical splice acceptor site of the intron before coding-DNA position 302, one base deleted (A; older notation c.302-2delA).
Molecular consequence: splice acceptor variant. On other transcripts: intron variant (2).
Genome position (GRCh38, 1-based): chr17:43,104,263, T deleted on the plus strand (A on the coding strand, the reverse complement: BRCA1 is on the minus strand). VCF-style (leftmost placement, unchanged base first): chr17-43104262-CT-C. GRCh37 (hg19) VCF-style: chr17-41256279-CT-C.
Other names: IVS6-2delA; c.302-2delA (NM_007294.3); c.161-2del (NM_001408458.1, NM_001407931.1, NM_001407747.1 and 99 more transcripts); c.-218-9403del (NM_001407967.1, NM_001407966.1); c.-80-2del (NM_001407959.1, NM_001407962.1, NM_001408512.1 and 4 more transcripts); c.92-2del (NM_001407885.1, NM_001407886.1, NM_001407898.1 and 58 more transcripts); c.302-2del (NM_001407686.1, NM_001408397.1, NM_001407632.1 and 164 more transcripts); c.170-2del (NM_001408451.1); and 2 more.
Identifiers: ClinVar variation 54753 (VCV000054753.33), dbSNP rs273899695, ClinGen allele CA001984.
Genomic context (GRCh38, chr17:43,104,262, plus strand): 5'-CATCTTTTAGATGTTCAGGAGAGTTATTTTCCTTTTTTGCAAAATTATAGCTGTTTGCAT[CT>C]GTAAAATACAAGGGAAAACATTATGTTTGCAGTTAGAGAAAAATGTATGAATTATAATCA-3'

ClinVar aggregate classification (germline): Pathogenic. Review status: reviewed by expert panel (3 of 4 stars). 14 submissions from 14 submitters: Pathogenic (1). 13 of the submissions do not count toward it. Last evaluated 2019-06-18.

Conditions:
Breast and/or ovarian cancer. Identifiers: MedGen CN221562.
Hereditary cancer-predisposing syndrome. Also called: Tumor predisposition; Neoplastic Syndromes, Hereditary; Hereditary Cancer Syndrome; Hereditary neoplastic syndrome. Identifiers: Orphanet 140162, MedGen C0027672, MeSH D009386, MONDO:0015356.
Hereditary breast ovarian cancer syndrome. Also called: Hereditary breast and ovarian cancer syndrome (HBOC); Hereditary breast and ovarian cancer syndrome; Hereditary breast and ovarian cancer; Hereditary breast and/or ovarian cancer syndrome; Breast and ovarian cancer; BRCA1- and BRCA2-Associated Hereditary Breast and Ovarian Cancer. Identifiers: Orphanet 145, MedGen C0677776, MeSH D061325, MONDO:0003582. Disease mechanism: loss of function.
Breast-ovarian cancer, familial, susceptibility to, 1 (BROVCA1). Also called: OVARIAN CANCER, SUSCEPTIBILITY TO; BRCA1 Hereditary Breast and Ovarian Cancer. Identifiers: Orphanet 145, MedGen C2676676, MONDO:0011450, OMIM 604370. Disease mechanism: loss of function.

Allele frequency attached by ClinVar (database versions not stated): gnomAD exomes below 0.00001; TOPMed below 0.00001; gnomAD 0.00001.

Submissions 1 to 7 of 14:

Evidence-based Network for the Interpretation of Germline Mutant Alleles (ENIGMA)
Classification: Pathogenic for Breast-ovarian cancer, familial, susceptibility to, 1. Last evaluated: 2019-06-18. Review status: reviewed by expert panel. Criteria: ENIGMA BRCA1/2 Classification Criteria (2017-06-29). Collection method: curation. Allele origin: germline.
Comment: IARC class based on posterior probability from multifactorial likelihood analysis, thresholds for class as per Plon et al. 2008 (PMID: 18951446). Class 5 based on posterior probability = 1

Labcorp Genetics (formerly Invitae), Labcorp
Classification: Pathogenic for Hereditary breast ovarian cancer syndrome. Last evaluated: 2025-12-10. Review status: criteria provided, single submitter. Criteria: Invitae Variant Classification Sherloc (09022015). Collection method: clinical testing. Allele origin: germline. Not counted in ClinVar's aggregate classification.
Comment: This sequence change affects a splice site in intron 5 of the BRCA1 gene. RNA analysis indicates that disruption of this splice site induces altered splicing and may result in an absent or altered protein product. This variant is not present in population databases (gnomAD no frequency). Disruption of this splice site has been observed in individual(s) with breast and ovarian cancer (PMID: 9333265, 10486320, 12815598, 16619214, 20104584). This variant is also known as 421-2delA and IVS6-2delA. ClinVar contains an entry for this variant (Variation ID: 54753). Studies have shown that disruption of this splice site alters mRNA splicing and is expected to lead to the loss of protein expression (PMID: 12815598, 16619214). For these reasons, this variant has been classified as Pathogenic.

Ambry Genetics
Classification: Pathogenic for Hereditary cancer-predisposing syndrome. Last evaluated: 2024-10-25. Review status: criteria provided, single submitter. Criteria: Ambry Variant Classification Scheme 2023. Collection method: clinical testing. Allele origin: germline. Not counted in ClinVar's aggregate classification.
Comment: The c.302-2delA intronic pathogenic mutation results from the deletion of one nucleotide two nucleotides upstream from coding exon 5 of the BRCA1 gene. This mutation has been described in multiple families with hereditary breast and ovarian cancer (HBOC) syndrome (Shattuck-Eidens D et al. JAMA. 1997 Oct;278:1242-50; Gayther SA et al. Am. J. Hum. Genet. 1999 Oct;65:1021; Tesoriero AA et al. Hum. Mutat. 2005 Nov;26:495; Borg A et al. Hum. Mutat. 2010 Mar;31:E1200-40; Rebbeck TR et al. Hum. Mutat. 2018 May;39:593-620). RNA studies have also demonstrated that this alteration results in an aberrant transcript that results in the deletion of 10 base pairs from coding exon 5 and results in a frameshift (Ambry internal data; Chen X et al. Hum. Mutat. 2006 May;27:427-35; Southey MC et al. Hum. Mutat. 2003 Jul;22:86-91). This alteration was classified as pathogenic in a multifactorial model of variant interpretation that incorporates co-segregation, family history, co-occurrence, tumor pathology, and case-control data (Parsons MT et al. Hum. Mutat. 2019 09;40(9):1557-1578). Of note, this alteration is also designated as 421-2delA and IVS6-2delA in published literature. In addition to the clinical data presented in the literature, alterations that disrupt the canonical splice site are expected to cause aberrant splicing, resulting in an abnormal protein or a transcript that is subject to nonsense-mediated mRNA decay. As such, this alteration is classified as a disease-causing mutation.

Molecular Pathology, Peter Maccallum Cancer Centre
Classification: Pathogenic for Breast-ovarian cancer, familial, susceptibility to, 1. Last evaluated: 2024-06-04. Review status: criteria provided, single submitter. Criteria: ACMG Guidelines, 2015. Collection method: clinical testing. Allele origin: germline. Inheritance: Autosomal dominant inheritance. Not counted in ClinVar's aggregate classification.

GeneDx
Classification: Pathogenic. Last evaluated: 2024-03-12. Review status: criteria provided, single submitter. Criteria: GeneDx Variant Classification Process June 2021. Collection method: clinical testing. Allele origin: germline. Affected: yes. Not counted in ClinVar's aggregate classification.
Comment: Canonical splice site variant demonstrated to result in aberrant splicing leading to a predicted null allele in a gene for which loss-of-function is a known mechanism of disease (PMID: 12815598, 16619214); Observed in several individuals with personal and/or family history consistent with pathogenic variants in this gene (PMID: 9333265, 10486320, 12815598, 16211554, 16619214, 33758026); Not observed at significant frequency in large population cohorts (gnomAD); Multifactorial likelihood analysis suggests this variant is pathogenic (PMID: 31131967); Truncating variants in this gene are considered pathogenic by a well-established clinical consortium and/or database; Also known as 421-2delA and IVS6-2delA; This variant is associated with the following publications: (PMID: 10486320, 12815598, 9333265, 16211554, 21702907, 16619214, 18712473, 31447099, 30787465, 33087929, 33758026, 31131967)

Color Diagnostics, LLC DBA Color Health
Classification: Pathogenic for Hereditary cancer-predisposing syndrome. Last evaluated: 2021-09-28. Review status: criteria provided, single submitter. Criteria: ACMG Guidelines, 2015. Collection method: clinical testing. Allele origin: germline. Not counted in ClinVar's aggregate classification.
Comment: This variant causes deletion of the nucleotide at the -2 position of intron 5 of the BRCA1 gene. RNA studies found the variant to activate a cryptic splice acceptor site leading to a 10bp frameshift, premature truncation, and nonsense-mediated decay (PMID: 12815598, 16619214). This variant has been observed in individuals affected with breast and/or ovarian cancer (PMID: 9333265, 10486320, 12815598, 16211554, 16619214, 20104584) and has been identified in 22 families among CIMBA participants (PMID: 29446198). In one large pedigree, this variant was found to segregate with breast cancer, ovarian cancer, and melanoma in at least 9 affected individuals (PMID: 12815598). This variant has not been identified in the general population by the Genome Aggregation Database (gnomAD). Loss of BRCA1 function is a known mechanism of disease. Based on the available evidence, this variant is classified as Pathogenic.

Women's Health and Genetics/Laboratory Corporation of America, LabCorp
Classification: Pathogenic for Hereditary breast and ovarian cancer syndrome. Last evaluated: 2019-10-28. Review status: criteria provided, single submitter. Criteria: LabCorp Variant Classification Summary - May 2015. Collection method: clinical testing. Allele origin: germline. Not counted in ClinVar's aggregate classification.
Comment: Variant summary: BRCA1 c.302-2delA is located in a canonical splice-site and is predicted to affect mRNA splicing resulting in a significantly altered protein due to either exon skipping, shortening, or inclusion of intronic material. Several computational tools predict a significant impact on normal splicing: Five predict the variant abolishes a canonical 3 acceptor site and two predict it creates/strengthens a cryptic exonic 3 acceptor site. These predictions are supported by analysis of cDNA products demonstrating that the variant activates a cryptic splicing site which results in a 10-bp frameshift deletion at the beginning of exon 6 causing the addition of 14 new residues and resulting in a premature stop codon (Chen_2006). c.302-2delA has been reported in the literature in multiple individuals affected with Hereditary Breast and Ovarian Cancer (Tesoriero_2005, Borg_2010, Rebbeck_2018). These data indicate that the variant is very likely to be associated with disease. Six ClinVar submitters (evaluation after 2014) cite the variant as pathogenic. Based on the evidence outlined above, the variant was classified as pathogenic.